The following is an entry in ClinVar:

NM_000020.3(ACVRL1):c.822G>A (p.Trp274Ter)

Gene: ACVRL1 (activin A receptor like type 1; plus strand). Cytogenetic location: 12q13.13.
Variant type: single nucleotide variant.
Coding change: c.822G>A on transcript NM_000020.3 (MANE Select); coding-DNA position 822, G replaced by A.
Protein change: p.Trp274Ter; replaces tryptophan 274 with a stop codon.
Molecular consequence: nonsense.
Genome position (GRCh38, 1-based): chr12:51,915,274, G>A. VCF-style: chr12-51915274-G-A. GRCh37 (hg19) VCF-style: chr12-52309058-G-A.
Other names: c.822G>A, p.Trp274Ter (NM_001077401.2); short protein forms W274*.
Identifiers: ClinVar variation 236553 (VCV000236553.14), dbSNP rs757645341, ClinGen allele CA6573002.

ClinVar aggregate classification (germline): Pathogenic. Review status: criteria provided, multiple submitters, no conflicts (2 of 4 stars). 6 submissions from 6 submitters: Pathogenic (6). Last evaluated 2024-08-22.

Conditions:
Cardiovascular phenotype. Identifiers: MedGen CN230736.
Telangiectasia, hereditary hemorrhagic, type 2 (HHT2). Also called: ACVRL1-Related Hereditary Hemorrhagic Telangiectasia; Telangiectasia, hereditary hemorrhagic, type II. Identifiers: Orphanet 774, MedGen C1838163, MONDO:0010880, OMIM 600376. Disease mechanism: loss of function.
ACVRL1-related disorder. Also called: ACVRL1-related condition; ACVRL1-related disorders.

Allele frequency attached by ClinVar (database versions not stated): ExAC 0.00001; gnomAD exomes below 0.00001.
gnomAD v4.1: 2 of 1,614,182 alleles (0.00012%); highest among the groups gnomAD compares: Non-Finnish European, 0.00017%; no homozygotes.

Submissions (6):

ARUP Laboratories, Molecular Genetics and Genomics, ARUP Laboratories
Classification: Pathogenic for Telangiectasia, hereditary hemorrhagic, type 2. Last evaluated: 2024-08-22. Review status: criteria provided, single submitter. Criteria: ARUP Molecular Germline Variant Investigation Process 2024. Collection method: clinical testing. Allele origin: germline.
Comment: The ACVRL1 c.822G>A; p.Trp274Ter variant (rs757645341, ClinVar Variation ID: 236553) is reported in the literature in individuals with HHT (McDonald 2011, Richards-Yutz 2010). This variant is only found on one allele in the Genome Aggregation Database (v2.1.1), indicating it is not a common polymorphism. This variant induces an early termination codon and is predicted to result in a truncated protein or mRNA subject to nonsense-mediated decay. Based on available information, this variant is considered to be pathogenic. References: McDonald J et al. Molecular diagnosis in hereditary hemorrhagic telangiectasia: findings in a series tested simultaneously by sequencing and deletion/duplication analysis. Clin Genet. 2011 Apr;79(4):335-44. PMID: 21158752. Richards-Yutz J et al. Update on molecular diagnosis of hereditary hemorrhagic telangiectasia. Hum Genet. 2010 Jul;128(1):61-77. PMID: 20414677.

Ambry Genetics
Classification: Pathogenic for Cardiovascular phenotype. Last evaluated: 2024-08-02. Review status: criteria provided, single submitter. Criteria: Ambry Variant Classification Scheme 2023. Collection method: clinical testing. Allele origin: germline.
Comment: The p.W274* pathogenic mutation (also known as c.822G>A), located in coding exon 6 of the ACVRL1 gene, results from a G to A substitution at nucleotide position 822. This changes the amino acid from a tryptophan to a stop codon within coding exon 6. This variant has been reported in individuals with features consistent with hereditary hemorrhagic telangiectasia (Richards-Yutz J et al. Hum. Genet., 2010 Jul;128:61-77; McDonald J et al. Clin. Genet., 2011 Apr;79:335-44). In addition to the clinical data presented in the literature, this alteration is expected to result in loss of function by premature protein truncation or nonsense-mediated mRNA decay. As such, this alteration is interpreted as a disease-causing mutation.

GeneDx
Classification: Pathogenic. Last evaluated: 2024-06-03. Review status: criteria provided, single submitter. Criteria: GeneDx Variant Classification Process June 2021. Collection method: clinical testing. Allele origin: germline. Affected: yes.
Comment: Reported in an individual with daily epistaxis and telangiectasia in published literature (PMID: 21158752); Nonsense variant predicted to result in protein truncation or nonsense mediated decay in a gene for which loss of function is a known mechanism of disease; Not observed at significant frequency in large population cohorts (gnomAD); This variant is associated with the following publications: (PMID: 25525159, 21158752)

Blueprint Genetics
Classification: Pathogenic for ACVRL1-related disorders. Last evaluated: 2024-01-29. Review status: criteria provided, single submitter. Criteria: ACMG Guidelines, 2015. Collection method: clinical testing. Allele origin: germline. Affected: yes. Observed: 2 variant alleles.

Clinical Genetics Laboratory, Skane University Hospital Lund
Classification: Pathogenic. Last evaluated: 2022-05-27. Review status: criteria provided, single submitter. Criteria: ACMG Guidelines, 2015. Collection method: clinical testing. Allele origin: germline. Affected: yes.

Labcorp Genetics (formerly Invitae), Labcorp
Classification: Pathogenic for Telangiectasia, hereditary hemorrhagic, type 2. Last evaluated: 2021-10-03. Review status: criteria provided, single submitter. Criteria: Invitae Variant Classification Sherloc (09022015). Collection method: clinical testing. Allele origin: germline.
Comment: This sequence change creates a premature translational stop signal (p.Trp274*) in the ACVRL1 gene. It is expected to result in an absent or disrupted protein product. Loss-of-function variants in ACVRL1 are known to be pathogenic (PMID: 15879500). This variant is present in population databases (rs757645341, ExAC 0.002%). This premature translational stop signal has been observed in individual(s) with hereditary hemorrhagic telangiectasia (HHT) (PMID: 21158752). For these reasons, this variant has been classified as Pathogenic.

Literature cited by the submitters: PubMed 20414677 (cited by Ambry Genetics); PubMed 21158752 (cited by Ambry Genetics and Labcorp Genetics (formerly Invitae), Labcorp); PubMed 15879500 (cited by Labcorp Genetics (formerly Invitae), Labcorp).